The following is an entry in ClinVar:

ClinVar aggregate classification (germline): Uncertain significance. Review status: criteria provided, single submitter (1 of 4 stars). 2 submissions from 2 submitters: Uncertain significance (1). 1 of the submissions does not count toward it. Last evaluated 2024-12-17.

Conditions:
Polyglandular autoimmune syndrome, type 1 (APS1). Also called: Autoimmune polyendocrinopathy syndrome , type I, with or without reversible metaphyseal dysplasia; Autoimmune polyendocrine syndrome type 1; HYPOADRENOCORTICISM WITH HYPOPARATHYROIDISM AND SUPERFICIAL MONILIASIS; PGA I; Autoimmune polyendocrinopathy syndrome, type I; Whitaker syndrome. Identifiers: Orphanet 3453, MedGen C0085859, MONDO:0009411, OMIM 240300.

Submissions (2):

Labcorp Genetics (formerly Invitae), Labcorp
Classification: Uncertain significance for Polyglandular autoimmune syndrome, type 1. Last evaluated: 2024-12-17. Review status: criteria provided, single submitter. Criteria: Invitae Variant Classification Sherloc (09022015). Collection method: clinical testing. Allele origin: germline.
Comment: This sequence change falls in intron 5 of the AIRE gene. It does not directly change the encoded amino acid sequence of the AIRE protein. This variant is not present in population databases (gnomAD no frequency). This variant has not been reported in the literature in individuals affected with AIRE-related conditions. Algorithms developed to predict the effect of sequence changes on RNA splicing suggest that this variant may disrupt the consensus splice site. In summary, the available evidence is currently insufficient to determine the role of this variant in disease. Therefore, it has been classified as a Variant of Uncertain Significance.

Natera, Inc.
Classification: Uncertain significance for Polyglandular autoimmune syndrome type 1. Last evaluated: 2025-03-30. Review status: no assertion criteria provided. Collection method: clinical testing. Allele origin: germline. Not counted in ClinVar's aggregate classification.

NM_000383.4(AIRE):c.653-7C>A

Gene: AIRE (autoimmune regulator; plus strand). Cytogenetic location: 21q22.3.
Variant type: single nucleotide variant.
Coding change: c.653-7C>A on transcript NM_000383.4 (MANE Select); 7 bases into the intron before coding-DNA position 653, C replaced by A.
Molecular consequence: intron variant.
Genome position (GRCh38, 1-based): chr21:44,289,650, C>A. VCF-style: chr21-44289650-C-A. GRCh37 (hg19) VCF-style: chr21-45709533-C-A.
Other names: c.653-7C>A (NM_000383.3).
Identifiers: ClinVar variation 3689443 (VCV003689443.3).